The following is an entry in ClinVar:

NM_000552.5(VWF):c.6394_6395del (p.Leu2132fs)

Gene: VWF (von Willebrand factor; minus strand). Cytogenetic location: 12p13.31.
Variant type: Deletion.
Coding change: c.6394_6395del on transcript NM_000552.5 (MANE Select); coding-DNA positions 6394 to 6395, 2 bases deleted (CT; older notation c.6394_6395delCT).
Protein change: p.Leu2132fs; shifts the reading frame from leucine 2132.
Molecular consequence: frameshift variant.
Genome position (GRCh38, 1-based): chr12:5,994,065-5,994,066, AG deleted on the plus strand (CT on the coding strand, the reverse complement: VWF is on the minus strand); deleting any 2 consecutive bases within chr12:5,994,065-5,994,067 gives the same sequence; the c. name uses the placement nearest the transcript's 3' end. VCF-style (leftmost placement, unchanged base first): chr12-5994064-AAG-A. GRCh37 (hg19) VCF-style: chr12-6103230-AAG-A.
Other names: short protein forms L2132fs.
Identifiers: ClinVar variation 4985251 (VCV004985251.1).

ClinVar aggregate classification (germline): Pathogenic (1 of 4 stars; one submission).

Conditions:
VWF-related disorder. Also called: VWF-related condition; VWF-related disorders.

Submission:

PreventionGenetics, part of Exact Sciences
Classification: Pathogenic for VWF-related condition. Last evaluated: 2026-03-30. Review status: criteria provided, single submitter. Criteria: ACMG Guidelines, 2015. Collection method: clinical testing. Allele origin: germline.
Comment: The VWF c.6394_6395delCT variant is predicted to result in a frameshift and premature protein termination (p.Leu2132Cysfs*17). This variant was reported in an individual with low von Willebrand factor antigen levels (Supplementary table 3, Sadler et al. 2021. PubMed ID: 33556167). This variant has not been reported in a large population database (gnomAD), indicating this variant is rare. Frameshift variants in VWF are expected to be pathogenic. This variant is interpreted as pathogenic.